The following is an entry in ClinVar:

NM_152743.4(BRAT1):c.333_346del (p.Ala112fs)

Gene: BRAT1 (BRCA1 associated ATM activator 1; minus strand). Cytogenetic location: 7p22.3.
Variant type: Deletion.
Coding change: c.333_346del on transcript NM_152743.4 (MANE Select); coding-DNA positions 333 to 346, 14 bases deleted (AGCAACCTGGGCCG).
Protein change: p.Ala112fs; shifts the reading frame from alanine 112.
Molecular consequence: frameshift variant. On other transcripts: non-coding transcript variant (1), intron variant (1).
Genome position (GRCh38, 1-based): chr7:2,544,993-2,545,006, CGGCCCAGGTTGCT deleted on the plus strand (AGCAACCTGGGCCG on the coding strand, the reverse complement: BRAT1 is on the minus strand); deleting any 14 consecutive bases within chr7:2,544,993-2,545,011 gives the same sequence; the c. name uses the placement nearest the transcript's 3' end. VCF-style (leftmost placement, unchanged base first): chr7-2544992-ACGGCCCAGGTTGCT-A. GRCh37 (hg19) VCF-style: chr7-2584626-ACGGCCCAGGTTGCT-A.
Other names: c.333_346del, p.Ala112fs (NM_001350626.2); c.-95-1044_-95-1031del (NM_001350627.2); short protein forms A112fs.
Identifiers: ClinVar variation 3705741 (VCV003705741.3).
Genomic context (GRCh38, chr7:2,544,992, plus strand): 5'-GCGCTGGGGTGCTGTGCCAGGGAGCGCAGGCCCTGGATCCAGCCGCTGCGCACGGTGGGG[ACGGCCCAGGTTGCT>A]CGGCCGAGGGGTCCTGGCTCCCCAAAGAGCCCTGGTAGTAACTCCCCCTGCTGGGAAGCA-3'

ClinVar aggregate classification (germline): Pathogenic/Likely pathogenic. Review status: criteria provided, multiple submitters, no conflicts (2 of 4 stars). 2 submissions from 2 submitters: Pathogenic (1); Likely pathogenic (1). Last evaluated 2024-08-14.

Conditions:
Neurodevelopmental disorder with cerebellar atrophy and with or without seizures. Identifiers: MedGen C4748032, MONDO:0020841, OMIM 618056.
Neonatal-onset encephalopathy with rigidity and seizures. Also called: Lethal neonatal spasticity-epileptic encephalopathy syndrome. Identifiers: Orphanet 435845, MedGen C3281029, MONDO:0013784, OMIM 614498.

Submissions (2):

Labcorp Genetics (formerly Invitae), Labcorp
Classification: Pathogenic for Neonatal-onset encephalopathy with rigidity and seizures. Last evaluated: 2024-08-14. Review status: criteria provided, single submitter. Criteria: Invitae Variant Classification Sherloc (09022015). Collection method: clinical testing. Allele origin: germline.
Comment: This sequence change creates a premature translational stop signal (p.Ala112Profs*74) in the BRAT1 gene. It is expected to result in an absent or disrupted protein product. Loss-of-function variants in BRAT1 are known to be pathogenic (PMID: 22279524, 25500575). This variant is present in population databases (no rsID available, gnomAD 0.007%). This variant has not been reported in the literature in individuals affected with BRAT1-related conditions. For these reasons, this variant has been classified as Pathogenic.

Department of Pathology and Laboratory Medicine, Sinai Health System
Classification: Likely pathogenic for Neurodevelopmental disorder with cerebellar atrophy and with or without seizures. Last evaluated: 2022-10-17. Review status: criteria provided, single submitter. Criteria: ACMG Guidelines, 2015. Collection method: research. Allele origin: germline.

Literature cited by the submitters: PubMed 22279524 (cited by Labcorp Genetics (formerly Invitae), Labcorp); PubMed 25500575 (cited by Labcorp Genetics (formerly Invitae), Labcorp).